The following is an entry in ClinVar:

ClinVar aggregate classification (germline): Uncertain significance (1 of 4 stars; one submission).

Conditions:
Congenital disorder of glycosylation, type Iaa. Also called: Congenital disorder of glycosylation, type 1aa. Identifiers: MedGen C4310727, MONDO:0014904, OMIM 617082.

Allele frequency attached by ClinVar (database versions not stated): gnomAD exomes below 0.00001.

Submission:

Labcorp Genetics (formerly Invitae), Labcorp
Classification: Uncertain significance for Congenital disorder of glycosylation, type Iaa. Last evaluated: 2023-05-04. Review status: criteria provided, single submitter. Criteria: Invitae Variant Classification Sherloc (09022015). Collection method: clinical testing. Allele origin: germline.
Comment: This sequence change replaces lysine, which is basic and polar, with glutamic acid, which is acidic and polar, at codon 216 of the NUS1 protein (p.Lys216Glu). This variant is not present in population databases (gnomAD no frequency). This variant has not been reported in the literature in individuals affected with NUS1-related conditions. An algorithm developed to predict the effect of missense changes on protein structure and function (PolyPhen-2) suggests that this variant is likely to be tolerated. In summary, the available evidence is currently insufficient to determine the role of this variant in disease. Therefore, it has been classified as a Variant of Uncertain Significance.

NM_138459.5(NUS1):c.646A>G (p.Lys216Glu)

Gene: NUS1 (NUS1 dehydrodolichyl diphosphate synthase subunit; plus strand). Cytogenetic location: 6q22.1.
Variant type: single nucleotide variant.
Coding change: c.646A>G on transcript NM_138459.5 (MANE Select); coding-DNA position 646, A replaced by G.
Protein change: p.Lys216Glu; replaces lysine 216 with glutamic acid.
Molecular consequence: missense variant.
Genome position (GRCh38, 1-based): chr6:117,694,135, A>G. VCF-style: chr6-117694135-A-G. GRCh37 (hg19) VCF-style: chr6-118015298-A-G.
Other names: short protein forms K216E.
Identifiers: ClinVar variation 2955928 (VCV002955928.3), dbSNP rs2482016145, ClinGen allele CA365537131.
Genomic context (GRCh38, chr6:117,694,135, plus strand): 5'-GGAAAAGCAGATATTGTAAGAGCTGCTCAGGACTTTTGCCAGTTAGTAGCCCAGAAGCAA[A>G]AGAGACCCACAGATTTGGATGTAGATACGTTAGCCAGTTTACTTAGTAAGTTTTTTTATA-3'
Protein context (NP_612468.1, residues 206-226): DFCQLVAQKQ[Lys216Glu]RPTDLDVDTL